The following is an entry in ClinVar:

NM_001379180.1(ESRRB):c.*2504T>C

Gene: ESRRB (estrogen related receptor beta; plus strand). Cytogenetic location: 14q24.3.
Variant type: single nucleotide variant.
Coding change: c.*2504T>C on transcript NM_001379180.1 (MANE Select); 2504 bases downstream of the stop codon, T replaced by C.
Molecular consequence: 3 prime UTR variant.
Genome position (GRCh38, 1-based): chr14:76,500,962, T>C. VCF-style: chr14-76500962-T-C. GRCh37 (hg19) VCF-style: chr14-76967305-T-C.
Other names: c.*241T>C (NM_004452.4).
Identifiers: ClinVar variation 314492 (VCV000314492.9), dbSNP rs3813545, ClinGen allele CA10646264.
Genomic context (GRCh38, chr14:76,500,962, plus strand): 5'-ATGTGTCAGTAACAATGGAACTCCATCCAATGGGAAAGTTCCTGGTACTGAAGGGGTCCA[T>C]TGGACACTCAGAAAAGAAGTTCAGGGGCCAACTTCTTAGCTGGAATCCTGGCCAGATGAG-3'

ClinVar aggregate classification (germline): Benign. Review status: criteria provided, multiple submitters, no conflicts (2 of 4 stars). 3 submissions from 3 submitters: Benign (3). Last evaluated 2018-11-29.

Conditions:
Autosomal recessive nonsyndromic hearing loss 35. Identifiers: Orphanet 90636, MedGen C1837857, MONDO:0012060, OMIM 608565.

Allele frequency attached by ClinVar (database versions not stated): 1000 Genomes Project 0.20148; 1000 Genomes Project 30x 0.20206; TOPMed 0.23024; gnomAD 0.23111 and 0.23239; gnomAD exomes 0.25363.
gnomAD v4.1: 142,862 of 577,364 alleles (25%); highest among the groups gnomAD compares: Admixed American, 30%; 18,416 homozygotes.

Submissions (3):

GeneDx
Classification: Benign. Last evaluated: 2018-11-29. Review status: criteria provided, single submitter. Criteria: GeneDx Variant Classification Process June 2021. Collection method: clinical testing. Allele origin: germline. Affected: yes.

Illumina Laboratory Services, Illumina
Classification: Benign for Autosomal recessive nonsyndromic hearing loss 35. Last evaluated: 2018-01-13. Review status: criteria provided, single submitter. Criteria: ICSL Variant Classification Criteria 13 December 2019. Collection method: clinical testing. Allele origin: germline.
Comment: This variant was observed in the ICSL laboratory as part of a predisposition screen in an ostensibly healthy population. It had not been previously curated by ICSL or reported in the Human Gene Mutation Database (HGMD: prior to June 1st, 2018), and was therefore a candidate for classification through an automated scoring system. Utilizing variant allele frequency, disease prevalence and penetrance estimates, and inheritance mode, an automated score was calculated to assess if this variant is too frequent to cause the disease. Based on the score and internal cut-off values, a variant classified as benign is not then subjected to further curation. The score for this variant resulted in a classification of benign for this disease.

Breakthrough Genomics
Classification: Benign. Review status: criteria provided, single submitter. Criteria: ACMG Guidelines, 2015. Collection method: not provided. Allele origin: germline. Inheritance: Autosomal recessive inheritance. Affected: yes.